The following is an entry in ClinVar:

NM_002474.3(MYH11):c.5444C>T (p.Thr1815Ile)

Genes: MYH11 (myosin heavy chain 11; minus strand), NDE1 (nudE neurodevelopment protein 1; plus strand). Cytogenetic location: 16p13.11.
Variant type: single nucleotide variant.
Coding change: c.5444C>T on transcript NM_002474.3 (MANE Select); coding-DNA position 5444, C replaced by T.
Protein change: p.Thr1815Ile; replaces threonine 1815 with isoleucine.
Molecular consequence: missense variant. On other transcripts: intron variant (2).
Genome position (GRCh38, 1-based): chr16:15,717,200, G>A on the plus strand (C>T on the coding strand, the complement: MYH11 is on the minus strand). VCF-style: chr16-15717200-G-A. GRCh37 (hg19) VCF-style: chr16-15811057-G-A.
Other names: c.5465C>T, p.Thr1822Ile (NM_001040113.2, NM_001040114.2); c.5444C>T, p.Thr1815Ile (NM_022844.3); c.948-6991G>A (NM_001143979.2, NM_017668.3); short protein forms T1815I, T1822I.
Identifiers: ClinVar variation 4779236 (VCV004779236.1).

ClinVar aggregate classification (germline): Uncertain significance (1 of 4 stars; one submission).

Conditions:
Aortic aneurysm, familial thoracic 4 (AAT4). Also called: AORTIC ANEURYSM/AORTIC DISSECTION AND PATENT DUCTUS ARTERIOSUS. Identifiers: MedGen C1851504, MONDO:0007568, OMIM 132900.

Submission:

Labcorp Genetics (formerly Invitae), Labcorp
Classification: Uncertain significance for Aortic aneurysm, familial thoracic 4. Last evaluated: 2025-09-10. Review status: criteria provided, single submitter. Criteria: Invitae Variant Classification Sherloc (09022015). Collection method: clinical testing. Allele origin: germline.
Comment: This sequence change replaces threonine, which is neutral and polar, with isoleucine, which is neutral and non-polar, at codon 1822 of the MYH11 protein (p.Thr1822Ile). This variant is present in population databases (rs760814164, gnomAD 0.006%). This variant has not been reported in the literature in individuals affected with MYH11-related conditions. Invitae Evidence Modeling of protein sequence and biophysical properties (such as structural, functional, and spatial information, amino acid conservation, physicochemical variation, residue mobility, and thermodynamic stability) indicates that this missense variant is not expected to disrupt MYH11 protein function with a negative predictive value of 95%. In summary, the available evidence is currently insufficient to determine the role of this variant in disease. Therefore, it has been classified as a Variant of Uncertain Significance.